The following is an entry in ClinVar:

ClinVar aggregate classification (germline): Pathogenic (1 of 4 stars; one submission).

Allele frequency attached by ClinVar (database versions not stated): gnomAD exomes below 0.00001.
gnomAD v4.1: 1 of 1,614,066 alleles (0.000062%); highest among the groups gnomAD compares: Non-Finnish European, 0.000085%; no homozygotes.

Submission:

Labcorp Genetics (formerly Invitae), Labcorp
Classification: Pathogenic. Last evaluated: 2020-05-18. Review status: criteria provided, single submitter. Criteria: Invitae Variant Classification Sherloc (09022015). Collection method: clinical testing. Allele origin: germline.
Comment: For these reasons, this variant has been classified as Pathogenic. Loss-of-function variants in LAMC3 are known to be pathogenic (PMID: 21572413, 26802095). Algorithms developed to predict the effect of sequence changes on RNA splicing suggest that this variant may create or strengthen a splice site, but this prediction has not been confirmed by published transcriptional studies. This variant has not been reported in the literature in individuals with LAMC3-related conditions. This variant is not present in population databases (ExAC no frequency). This sequence change creates a premature translational stop signal (p.Gln1241*) in the LAMC3 gene. It is expected to result in an absent or disrupted protein product.

Literature cited by the submitters: PubMed 21572413; PubMed 26802095.

NM_006059.4(LAMC3):c.3721C>T (p.Gln1241Ter)

Gene: LAMC3 (laminin subunit gamma 3; plus strand). Cytogenetic location: 9q34.12.
Variant type: single nucleotide variant.
Coding change: c.3721C>T on transcript NM_006059.4 (MANE Select); coding-DNA position 3721, C replaced by T.
Protein change: p.Gln1241Ter; replaces glutamine 1241 with a stop codon.
Molecular consequence: nonsense.
Genome position (GRCh38, 1-based): chr9:131,077,278, C>T. VCF-style: chr9-131077278-C-T. GRCh37 (hg19) VCF-style: chr9-133952665-C-T.
Other names: short protein forms Q1241*.
Identifiers: ClinVar variation 1074722 (VCV001074722.7), dbSNP rs2133335629, ClinGen allele CA375261444.